The following is an entry in ClinVar:

ClinVar aggregate classification (germline): Uncertain significance. Review status: criteria provided, multiple submitters, no conflicts (2 of 4 stars). 3 submissions from 3 submitters: Uncertain significance (3). Last evaluated 2024-03-06.

Conditions:
Hereditary cancer-predisposing syndrome. Also called: Hereditary neoplastic syndrome; Tumor predisposition; Hereditary Cancer Syndrome; Neoplastic Syndromes, Hereditary. Identifiers: Orphanet 140162, MedGen C0027672, MeSH D009386, MONDO:0015356.
Breast-ovarian cancer, familial, susceptibility to, 4. Identifiers: Orphanet 145, MedGen C3280345, MONDO:0013669, OMIM 614291.

Allele frequency attached by ClinVar (database versions not stated): gnomAD exomes below 0.00001.
gnomAD v4.1: 1 of 1,564,602 alleles (0.000064%); highest among the groups gnomAD compares: East Asian, 0.0022%; no homozygotes.

Submissions (3):

Color Diagnostics, LLC DBA Color Health
Classification: Uncertain significance for Hereditary cancer-predisposing syndrome. Last evaluated: 2024-03-06. Review status: criteria provided, single submitter. Criteria: ACMG Guidelines, 2015. Collection method: clinical testing. Allele origin: germline.
Comment: This missense variant replaces glycine with arginine at codon 100 of the RAD51D protein. Computational prediction suggests that this variant may have deleterious impact on protein structure and function (internally defined REVEL score threshold >= 0.7, PMID: 27666373). To our knowledge, functional studies have not been reported for this variant. This variant has not been reported in individuals affected with RAD51D-related disorders in the literature. This variant has been identified in 1/251366 chromosomes in the general population by the Genome Aggregation Database (gnomAD). The available evidence is insufficient to determine the role of this variant in disease conclusively. Therefore, this variant is classified as a Variant of Uncertain Significance.

Ambry Genetics
Classification: Uncertain significance for Hereditary cancer-predisposing syndrome. Last evaluated: 2024-01-27. Review status: criteria provided, single submitter. Criteria: Ambry Variant Classification Scheme 2023. Collection method: clinical testing. Allele origin: germline.
Comment: The p.G100R variant (also known as c.298G>A), located in coding exon 4 of the RAD51D gene, results from a G to A substitution at nucleotide position 298. The glycine at codon 100 is replaced by arginine, an amino acid with dissimilar properties. This amino acid position is highly conserved in available vertebrate species. In addition, this alteration is predicted to be deleterious by in silico analysis. Since supporting evidence is limited at this time, the clinical significance of this alteration remains unclear.

Labcorp Genetics (formerly Invitae), Labcorp
Classification: Uncertain significance for Breast-ovarian cancer, familial, susceptibility to, 4. Last evaluated: 2023-02-08. Review status: criteria provided, single submitter. Criteria: Invitae Variant Classification Sherloc (09022015). Collection method: clinical testing. Allele origin: germline.
Comment: In summary, the available evidence is currently insufficient to determine the role of this variant in disease. Therefore, it has been classified as a Variant of Uncertain Significance. Algorithms developed to predict the effect of sequence changes on RNA splicing suggest that this variant may disrupt the consensus splice site. Advanced modeling of protein sequence and biophysical properties (such as structural, functional, and spatial information, amino acid conservation, physicochemical variation, residue mobility, and thermodynamic stability) performed at Invitae indicates that this missense variant is not expected to disrupt RAD51D protein function. ClinVar contains an entry for this variant (Variation ID: 492422). This variant has not been reported in the literature in individuals affected with RAD51D-related conditions. This variant is present in population databases (no rsID available, gnomAD 0.006%). This sequence change replaces glycine, which is neutral and non-polar, with arginine, which is basic and polar, at codon 100 of the RAD51D protein (p.Gly100Arg).

NM_002878.4(RAD51D):c.298G>A (p.Gly100Arg)

Genes: RAD51D (RAD51 paralog D; minus strand), RAD51L3-RFFL (RAD51L3-RFFL readthrough; minus strand). Cytogenetic location: 17q12.
Variant type: single nucleotide variant.
Coding change: c.298G>A on transcript NM_002878.4 (MANE Select); coding-DNA position 298, G replaced by A.
Protein change: p.Gly100Arg; replaces glycine 100 with arginine.
Molecular consequence: missense variant. On other transcripts: non-coding transcript variant (2), intron variant (1).
Genome position (GRCh38, 1-based): chr17:35,107,413, C>T on the plus strand (G>A on the coding strand, the complement: RAD51D is on the minus strand). VCF-style: chr17-35107413-C-T. GRCh37 (hg19) VCF-style: chr17-33434432-C-T.
Other names: c.358G>A, p.Gly120Arg (NM_001142571.2); c.145-932G>A (NM_133629.3); short protein forms G100R, G120R.
Identifiers: ClinVar variation 492422 (VCV000492422.16), dbSNP rs1306179653, ClinGen allele CA399089971.
Genomic context (GRCh38, chr17:35,107,413, plus strand): 5'-GCCTCACATGTACCTGAGTTTTGCCGCTACCTGGGCCTCCTACAATTTCAGTCACTTCTC[C>T]AGTATAGAGACCAGCATCAAGCAGTTTATCAAGACTGATGGCAGAAGAGAAGAAAATCAA-3'
Protein context (NP_002869.3, residues 90-110): DKLLDAGLYT[Gly100Arg]EVTEIVGGPG